The following is an entry in ClinVar:

NM_000257.4(MYH7):c.5263G>T (p.Ala1755Ser)

Genes: MYH7 (myosin heavy chain 7; minus strand), LOC126861897 (BRD4-independent group 4 enhancer GRCh37_chr14:23884455-23885654; plus strand). Cytogenetic location: 14q11.2.
Variant type: single nucleotide variant.
Coding change: c.5263G>T on transcript NM_000257.4 (MANE Select); coding-DNA position 5263, G replaced by T.
Protein change: p.Ala1755Ser; replaces alanine 1755 with serine.
Molecular consequence: missense variant.
Genome position (GRCh38, 1-based): chr14:23,415,401, C>A on the plus strand (G>T on the coding strand, the complement: MYH7 is on the minus strand). VCF-style: chr14-23415401-C-A. GRCh37 (hg19) VCF-style: chr14-23884610-C-A.
Other names: p.A1755S:GCC>TCC; c.5263G>T (LRG_384t1); short protein forms A1755S.
Identifiers: ClinVar variation 181276 (VCV000181276.11), dbSNP rs730880814, ClinGen allele CA015826.
Genomic context (GRCh38, chr14:23,415,401, plus strand): 5'-GACACTGGTCTGGATCGGGTCGGTGGAGTGGGGGACTTACATCCGTGATGGCCTTCTTGG[C>A]CTTCTCCTCAGCATTCCTGCACTCCTGCACTGCCTCCTCCACTTCAGTCTGGAGCTGGGA-3'
Protein context (NP_000248.2, residues 1745-1765): VQECRNAEEK[Ala1755Ser]KKAITDAAMM

ClinVar aggregate classification (germline): Uncertain significance. Review status: criteria provided, multiple submitters, no conflicts (2 of 4 stars). 2 submissions from 2 submitters: Uncertain significance (2). Last evaluated 2024-11-08.

Conditions:
Hypertrophic cardiomyopathy. Also called: HYPERTROPHIC MYOCARDIOPATHY. Identifiers: Orphanet 217569, MedGen C0007194, MeSH D002312, MONDO:0005045, HP:0001639.

Submissions (2):

Labcorp Genetics (formerly Invitae), Labcorp
Classification: Uncertain significance for Hypertrophic cardiomyopathy. Last evaluated: 2024-11-08. Review status: criteria provided, single submitter. Criteria: Invitae Variant Classification Sherloc (09022015). Collection method: clinical testing. Allele origin: germline.
Comment: This sequence change replaces alanine, which is neutral and non-polar, with serine, which is neutral and polar, at codon 1755 of the MYH7 protein (p.Ala1755Ser). This variant is not present in population databases (gnomAD no frequency). This variant has not been reported in the literature in individuals affected with MYH7-related conditions. ClinVar contains an entry for this variant (Variation ID: 181276). Invitae Evidence Modeling of protein sequence and biophysical properties (such as structural, functional, and spatial information, amino acid conservation, physicochemical variation, residue mobility, and thermodynamic stability) indicates that this missense variant is expected to disrupt MYH7 protein function with a positive predictive value of 95%. In summary, the available evidence is currently insufficient to determine the role of this variant in disease. Therefore, it has been classified as a Variant of Uncertain Significance.

GeneDx
Classification: Uncertain significance. Last evaluated: 2017-05-23. Review status: criteria provided, single submitter. Criteria: GeneDx Variant Classification (06012015). Collection method: clinical testing. Allele origin: germline. Affected: yes.
Comment: A variant of uncertain significance has been identified in the MYH7 gene. The A1755S variant has not been published as pathogenic or been reported as benign to our knowledge. The A1755S variant is not observed in large population cohorts (Lek et al., 2016; 1000 Genomes Consortium et al., 2015; Exome Variant Server). Additionally, the A1755S variant is a non-conservative amino acid substitution, which is likely to impact secondary protein structure as these residues differ in polarity, charge, size and/or other properties. This substitution occurs at a position that is conserved across species. Furthermore, the majority of in silico analyses predict this variant is probably damaging to the protein structure/function. Nevertheless, this variant lacks this variant lacks sufficient evidence, such as segregation studies, functional studies, and clinical data to support its pathogenicity.